The following is an entry in ClinVar:

ClinVar aggregate classification (germline): Pathogenic (1 of 4 stars; one submission).

Conditions:
COG5-congenital disorder of glycosylation. Also called: CDG IIi; CONGENITAL DISORDER OF GLYCOSYLATION, TYPE IIi; COG5-CDG. Identifiers: Orphanet 263487, MedGen C3150876, MONDO:0013325, OMIM 613612.

Submission:

Labcorp Genetics (formerly Invitae), Labcorp
Classification: Pathogenic for COG5-congenital disorder of glycosylation. Last evaluated: 2022-11-25. Review status: criteria provided, single submitter. Criteria: Invitae Variant Classification Sherloc (09022015). Collection method: clinical testing. Allele origin: germline.
Comment: For these reasons, this variant has been classified as Pathogenic. This variant has not been reported in the literature in individuals affected with COG5-related conditions. This variant is not present in population databases (gnomAD no frequency). This sequence change creates a premature translational stop signal (p.Gln429*) in the COG5 gene. It is expected to result in an absent or disrupted protein product. Loss-of-function variants in COG5 are known to be pathogenic (PMID: 23228021).

Literature cited by the submitters: PubMed 23228021.

NM_006348.5(COG5):c.1192C>T (p.Gln398Ter)

Gene: COG5 (component of oligomeric golgi complex 5; minus strand). Cytogenetic location: 7q22.3.
Variant type: single nucleotide variant.
Coding change: c.1192C>T on transcript NM_006348.5 (MANE Select); coding-DNA position 1192, C replaced by T.
Protein change: p.Gln398Ter; replaces glutamine 398 with a stop codon.
Molecular consequence: nonsense.
Genome position (GRCh38, 1-based): chr7:107,298,263, G>A on the plus strand (C>T on the coding strand, the complement: COG5 is on the minus strand). VCF-style: chr7-107298263-G-A. GRCh37 (hg19) VCF-style: chr7-106938708-G-A.
Other names: c.1192C>T, p.Gln398Ter (NM_001161520.2, NM_001379511.1, NM_001379512.1 and 3 more transcripts); c.622C>T, p.Gln208Ter (NM_001379515.1); c.478C>T, p.Gln160Ter (NM_001379516.1); short protein forms Q160*, Q398*, Q208*.
Identifiers: ClinVar variation 2816641 (VCV002816641.3), dbSNP rs2536186819, ClinGen allele CA368938648.